The following is an entry in ClinVar:

NM_002641.4(PIGA):c.356G>A (p.Arg119Gln)

Gene: PIGA (phosphatidylinositol glycan anchor biosynthesis class A; minus strand). Cytogenetic location: Xp22.2.
Variant type: single nucleotide variant.
Coding change: c.356G>A on transcript NM_002641.4 (MANE Select); coding-DNA position 356, G replaced by A.
Protein change: p.Arg119Gln; replaces arginine 119 with glutamine.
Molecular consequence: missense variant. On other transcripts: intron variant (1).
Genome position (GRCh38, 1-based): chrX:15,331,575, C>T on the plus strand (G>A on the coding strand, the complement: PIGA is on the minus strand). VCF-style: chrX-15331575-C-T. GRCh37 (hg19) VCF-style: chrX-15349697-C-T.
Other names: c.13+3926G>A (NM_020473.3); short protein forms R119Q.
Identifiers: ClinVar variation 813740 (VCV000813740.15), dbSNP rs2519331621, ClinGen allele CA412340352.
Genomic context (GRCh38, chrX:15,331,575, plus strand): 5'-AGAGCATCATGGGCCATAGCAGAAAAAGAACTATGTGAATGGATTATCGTGACTCTCTCC[C>T]GAACAAATATGTACCTGAGCAATGGCAGACTGTGAAAGAGGGTCGTGGCTGTAGACTGGT-3'
Protein context (NP_002632.1, residues 109-129): SLPLLRYIFV[Arg119Gln]ERVTIIHSHS

ClinVar aggregate classification (germline): Pathogenic/Likely pathogenic. Review status: criteria provided, multiple submitters, no conflicts (2 of 4 stars). 7 submissions from 7 submitters: Pathogenic (3); Likely pathogenic (3). 1 of the submissions does not count toward it. Last evaluated 2024-10-30.

Conditions:
Multiple congenital anomalies-hypotonia-seizures syndrome 2 (MCAHS2). Also called: GLYCOSYLPHOSPHATIDYLINOSITOL BIOSYNTHESIS DEFECT 4; EPILEPTIC ENCEPHALOPATHY, EARLY INFANTILE, 20. Identifiers: Orphanet 300496, MedGen C3275508, MONDO:0010466, OMIM 300868.
PIGA-related disorder. Also called: PIGA-related condition.

Submissions (7):

GeneDx
Classification: Pathogenic. Last evaluated: 2024-10-30. Review status: criteria provided, single submitter. Criteria: GeneDx Variant Classification Process June 2021. Collection method: clinical testing. Allele origin: germline. Affected: yes.
Comment: In silico analysis supports that this missense variant has a deleterious effect on protein structure/function; This variant is associated with the following publications: (PMID: 29310717, 32220244, 31704190, 31618474, 26633542, 29656098, 37572404, 33333793, 33508693, Hua2021[CaseReport], 33347536, 36116096, 32694024, 32452540)

Labcorp Genetics (formerly Invitae), Labcorp
Classification: Pathogenic for Multiple congenital anomalies-hypotonia-seizures syndrome 2. Last evaluated: 2024-10-15. Review status: criteria provided, single submitter. Criteria: Invitae Variant Classification Sherloc (09022015). Collection method: clinical testing. Allele origin: germline.
Comment: This sequence change replaces arginine, which is basic and polar, with glutamine, which is neutral and polar, at codon 119 of the PIGA protein (p.Arg119Gln). This variant is not present in population databases (gnomAD no frequency). This missense change has been observed in individuals with PIGN-congenital disorder of glycosylation (PMID: 32220244, 32452540, 32694024). ClinVar contains an entry for this variant (Variation ID: 813740). Invitae Evidence Modeling of protein sequence and biophysical properties (such as structural, functional, and spatial information, amino acid conservation, physicochemical variation, residue mobility, and thermodynamic stability) indicates that this missense variant is expected to disrupt PIGA protein function with a positive predictive value of 80%. For these reasons, this variant has been classified as Pathogenic.

Genomic Medicine Center of Excellence, King Faisal Specialist Hospital and Research Centre
Classification: Likely pathogenic for Multiple congenital anomalies-hypotonia-seizures syndrome 2. Last evaluated: 2024-10-07. Review status: criteria provided, single submitter. Criteria: ACMG Guidelines, 2015. Collection method: clinical testing. Allele origin: germline.

Illumina Laboratory Services, Illumina
Classification: Pathogenic for Multiple congenital anomalies-hypotonia-seizures syndrome 2. Last evaluated: 2023-01-03. Review status: criteria provided, single submitter. Criteria: ICSLVariantClassificationCriteria RUGD 01 April 2020. Collection method: clinical testing. Allele origin: unknown.
Comment: The PIGA c.356G>A (p.Arg119Gln) missense variant results in the substitution of arginine at amino acid position 119 with glutamine. This variant has been reported in a hemizygous state in at least seven affected male individuals presenting with a spectrum of epilepsy and developmental delay (PMID: 32452540; PMID: 29656098; PMID: 32220244; PMID: 32694024; PMID: 31618474; PMID: 33508693). A variant resulting in a different amino acid change at the same position, c.355C>T (p.Arg119Trp), has been reported in a hemizygous state in four males with the same phenotype spectrum of disease (PMID: 32452540; PMID: 24706016; PMID: 31175295). The c.356G>A variant is not found in version 2.1.1 or version 3.1.2 of the Genome Aggregation Database. The variant lies, along with the majority of pathogenic missense variants, within the Rossmann fold A of the N-terminal cytoplasmic domain (PMID: 32452540). Based on the available evidence, the c.356G>A (p.Arg119Gln) variant is classified as pathogenic for PIGA-related congenital disorder of glycosylation.

Revvity Omics, Revvity
Classification: Likely pathogenic. Last evaluated: 2019-12-17. Review status: criteria provided, single submitter. Criteria: ACMG Guidelines, 2015. Collection method: clinical testing. Allele origin: germline.

Cytogénomique, Hospices Civils de Lyon
Classification: Likely pathogenic for Multiple congenital anomalies-hypotonia-seizures syndrome 2. Last evaluated: 2017-01-26. Review status: criteria provided, single submitter. Criteria: ACMG Guidelines, 2015. Collection method: clinical testing. Allele origin: maternal. Inheritance: X-linked inheritance. Affected: yes.

PreventionGenetics, part of Exact Sciences
Classification: Pathogenic for PIGA-related condition. Last evaluated: 2024-01-31. Review status: no assertion criteria provided. Collection method: clinical testing. Allele origin: germline. Not counted in ClinVar's aggregate classification.
Comment: The PIGA c.356G>A variant is predicted to result in the amino acid substitution p.Arg119Gln. This variant was reported in at least six unrelated individuals with PIGA-associated disorders (Lin et al. 2018. PubMed ID: 29656098; Table S2, Knaus et al. 2018. PubMed ID: 29310717; Table S2, Burgess et al. 2019. PubMed ID: 31618474; Jiao et al. 2020. PubMed ID: 32220244; Bayat et al. 2020. PubMed ID: 32452540). This variant has not been reported in a large population database, indicating this variant is rare. A different nucleotide substitution affecting the same amino acid (p.Arg119Trp) has been reported in individuals with early-onset epileptic encephalopathy (Kato et al. 2014. PubMed ID: 24706016; Bayat et al. 2020. PubMed ID: 32452540). Taken together, the c.356G>A (p.Arg119Gln) variant is interpreted as pathogenic.

Literature cited by the submitters: PubMed 32220244 (cited by Labcorp Genetics (formerly Invitae), Labcorp and Illumina Laboratory Services, Illumina); PubMed 32452540 (cited by Labcorp Genetics (formerly Invitae), Labcorp and Illumina Laboratory Services, Illumina); PubMed 32694024 (cited by Labcorp Genetics (formerly Invitae), Labcorp and Illumina Laboratory Services, Illumina); PubMed 33333793 (cited by Illumina Laboratory Services, Illumina); PubMed 29656098 (cited by Illumina Laboratory Services, Illumina); PubMed 31175295 (cited by Illumina Laboratory Services, Illumina); PubMed 24706016 (cited by Illumina Laboratory Services, Illumina and Cytogénomique, Hospices Civils de Lyon); PubMed 31618474 (cited by Illumina Laboratory Services, Illumina).